The following is an entry in ClinVar:

NM_007118.4(TRIO):c.6181T>G (p.Tyr2061Asp)

Gene: TRIO (trio Rho guanine nucleotide exchange factor; plus strand). Cytogenetic location: 5p15.2.
Variant type: single nucleotide variant.
Coding change: c.6181T>G on transcript NM_007118.4 (MANE Select); coding-DNA position 6181, T replaced by G.
Protein change: p.Tyr2061Asp; replaces tyrosine 2061 with aspartic acid.
Molecular consequence: missense variant. On other transcripts: non-coding transcript variant (1).
Genome position (GRCh38, 1-based): chr5:14,479,288, T>G. VCF-style: chr5-14479288-T-G. GRCh37 (hg19) VCF-style: chr5-14479397-T-G.
Other names: short protein forms Y2061D.
Identifiers: ClinVar variation 2664722 (VCV002664722.1), dbSNP rs2477351851, ClinGen allele CA359233826.
Genomic context (GRCh38, chr5:14,479,288, plus strand): 5'-TATAACCCAACTGTTTGCCTTTTTTATTCCTAGGAGAGAAGGTTGCACATGTACATAGCT[T>G]ATTGTCAAAATAAACCAAAGTCTGAGCACATTGTCTCAGAATACATTGATACCTTTTTTG-3'
Protein context (NP_009049.2, residues 2051-2071): HERRLHMYIA[Tyr2061Asp]CQNKPKSEHI

ClinVar aggregate classification (germline): Uncertain significance (1 of 4 stars; one submission).

Conditions:
Intellectual developmental disorder, autosomal dominant 63, with macrocephaly. Also called: MENTAL RETARDATION, AUTOSOMAL DOMINANT 63, WITH MACROCEPHALY. Identifiers: MedGen C5394205, MONDO:0032939, OMIM 618825.
Intellectual developmental disorder, autosomal dominant 44, with microcephaly. Also called: TRIO-Related Intellectual Disability; Micrognathia-recurrent infections-behavioral abnormalities-mild intellectual disability syndrome. Identifiers: Orphanet 476126, MedGen C4310740, MONDO:0014892, OMIM 617061.

Submission:

Genetics and Molecular Pathology, SA Pathology
Classification: Uncertain significance for Intellectual developmental disorder, autosomal dominant 44, with microcephaly; Intellectual developmental disorder, autosomal dominant 63, with macrocephaly. Last evaluated: 2022-12-08. Review status: criteria provided, single submitter. Criteria: ACMG Guidelines, 2015. Collection method: clinical testing. Allele origin: germline. Inheritance: Autosomal dominant inheritance. Affected: yes.
Comment: The TRIO c.6181T>G variant is classified as a VARIANT of UNCERTAIN SIGNIFICANCE (PM2, PP3) The TRIO c.6181T>G variant is a single nucleotide change in exon 42/57 of the TRIO gene, which is predicted to change the amino acid tyrosine at position 2061 in the protein to aspartic acid. This variant is absent from population databases (PM2). Computational predictions support a deleterious effect on the gene or gene product (PP3). This variant has not been reported in dbSNP, ClinVar or HGMD.